The following is an entry in ClinVar:

NM_000465.4(BARD1):c.2085C>T (p.Val695=)

Gene: BARD1 (BRCA1 associated RING domain 1; minus strand). Cytogenetic location: 2q35.
Variant type: single nucleotide variant.
Coding change: c.2085C>T on transcript NM_000465.4 (MANE Select); coding-DNA position 2085, C replaced by T.
Protein change: p.Val695=; no amino-acid change (valine 695 retained).
Molecular consequence: synonymous variant. On other transcripts: non-coding transcript variant (3).
Genome position (GRCh38, 1-based): chr2:214,728,925, G>A on the plus strand (C>T on the coding strand, the complement: BARD1 is on the minus strand). VCF-style: chr2-214728925-G-A. GRCh37 (hg19) VCF-style: chr2-215593649-G-A.
Other names: c.2085C>T (NM_000465.2); c.2028C>T, p.Val676= (NM_001282543.2); c.732C>T, p.Val244= (NM_001282545.2); c.675C>T, p.Val225= (NM_001282548.2); c.546C>T, p.Val182= (NM_001282549.2).
Identifiers: ClinVar variation 1121549 (VCV001121549.13), dbSNP rs2105987601, ClinGen allele CA431393846.
Genomic context (GRCh38, chr2:214,728,925, plus strand): 5'-CTGAGTCACGTCACTGTCTGGCTTGGGCTTTCTACTGAGGATCTGGCCCCCACCTGCAGT[G>A]ACGAGCTTAATAAGGTTGTCCTTTGGATGGTGTTTGAAGGTTCCCCACAAATAGAAGTAG-3'
Protein context (NP_000456.2, residues 685-705): HHPKDNLIKL[Val695=]TAGGGQILSR

ClinVar aggregate classification (germline): Benign/Likely benign. Review status: criteria provided, multiple submitters, no conflicts (2 of 4 stars). 3 submissions from 3 submitters: Benign (1); Likely benign (2). Last evaluated 2026-02-09.

Conditions:
Hereditary cancer-predisposing syndrome. Also called: Hereditary Cancer Syndrome; Neoplastic Syndromes, Hereditary; Tumor predisposition; Hereditary neoplastic syndrome. Identifiers: Orphanet 140162, MedGen C0027672, MeSH D009386, MONDO:0015356.
Familial cancer of breast. Also called: BREAST CANCER, FAMILIAL; hereditary breast carcinoma; Hereditary breast cancer. Identifiers: Orphanet 227535, MedGen C0346153, MONDO:0016419, OMIM 114480. Disease mechanism: loss of function.

Allele frequency attached by ClinVar (database versions not stated): gnomAD exomes below 0.00001.
gnomAD v4.1: 2 of 1,614,158 alleles (0.00012%); highest among the groups gnomAD compares: East Asian, 0.0022%; no homozygotes.

Submissions (3):

Ambry Genetics
Classification: Likely benign for Hereditary cancer-predisposing syndrome. Last evaluated: 2026-02-09. Review status: criteria provided, single submitter. Criteria: Ambry Variant Classification Scheme 2023. Collection method: clinical testing. Allele origin: germline.

Labcorp Genetics (formerly Invitae), Labcorp
Classification: Likely benign for Familial cancer of breast. Last evaluated: 2025-09-09. Review status: criteria provided, single submitter. Criteria: Invitae Variant Classification Sherloc (09022015). Collection method: clinical testing. Allele origin: germline.

Myriad Genetics, Inc.
Classification: Benign for Familial cancer of breast. Last evaluated: 2024-07-29. Review status: criteria provided, single submitter. Criteria: Myriad Autosomal Dominant, Autosomal Recessive and X-Linked Classification Criteria (2023). Collection method: clinical testing. Allele origin: unknown.
Comment: This variant is considered benign. This variant is a silent/synonymous amino acid change and it is not expected to impact splicing.